The following is an entry in ClinVar:

NM_000135.4(FANCA):c.3067-3C>T

Gene: FANCA (FA complementation group A; minus strand). Cytogenetic location: 16q24.3.
Variant type: single nucleotide variant.
Coding change: c.3067-3C>T on transcript NM_000135.4 (MANE Select); 3 bases into the intron before coding-DNA position 3067, C replaced by T.
Molecular consequence: intron variant.
Genome position (GRCh38, 1-based): chr16:89,749,905, G>A on the plus strand (C>T on the coding strand, the complement: FANCA is on the minus strand). VCF-style: chr16-89749905-G-A. GRCh37 (hg19) VCF-style: chr16-89816313-G-A.
Other names: c.3067-3C>T (NM_001286167.3).
Identifiers: ClinVar variation 2193203 (VCV002193203.2), dbSNP rs777400054, ClinGen allele CA8251342.
Genomic context (GRCh38, chr16:89,749,905, plus strand): 5'-GGGTGTGGCCGAGAGGCACTATGAGGTCTTGCTGCAGCTCCAGGTCAGCTACCATCTCCT[G>A]AAAAAGAGCAGTATGCTGGCACAGGAAGGCCTCGGGGCTCACTGCCCAGCCAGTCGGGGA-3'

ClinVar aggregate classification (germline): Uncertain significance (1 of 4 stars; one submission).

Conditions:
Fanconi anemia (FA). Also called: Fanconi's anemia. Identifiers: Orphanet 84, MedGen C0015625, MeSH D005199, MONDO:0019391.

Allele frequency attached by ClinVar (database versions not stated): TOPMed below 0.00001; ExAC 0.00002.
gnomAD v4.1: 12 of 1,613,864 alleles (0.00074%); highest among the groups gnomAD compares: Admixed American, 0.0017%; no homozygotes.

Submission:

Labcorp Genetics (formerly Invitae), Labcorp
Classification: Uncertain significance for Fanconi anemia. Last evaluated: 2024-06-28. Review status: criteria provided, single submitter. Criteria: Invitae Variant Classification Sherloc (09022015). Collection method: clinical testing. Allele origin: germline.
Comment: This sequence change falls in intron 31 of the FANCA gene. It does not directly change the encoded amino acid sequence of the FANCA protein. It affects a nucleotide within the consensus splice site. This variant is present in population databases (rs777400054, gnomAD 0.003%). This variant has not been reported in the literature in individuals affected with FANCA-related conditions. ClinVar contains an entry for this variant (Variation ID: 2193203). Variants that disrupt the consensus splice site are a relatively common cause of aberrant splicing (PMID: 17576681, 9536098). Algorithms developed to predict the effect of sequence changes on RNA splicing suggest that this variant is not likely to affect RNA splicing. In summary, the available evidence is currently insufficient to determine the role of this variant in disease. Therefore, it has been classified as a Variant of Uncertain Significance.

Literature cited by the submitters: PubMed 17576681; PubMed 9536098.